The following is an entry in ClinVar:

ClinVar aggregate classification (germline): Benign (1 of 4 stars; one submission).

Allele frequency attached by ClinVar (database versions not stated): gnomAD exomes 0.04390; gnomAD 0.05181 and 0.05193; TOPMed 0.05340; 1000 Genomes Project 30x 0.05871; 1000 Genomes Project 0.06430.
gnomAD v4.1: 38,886 of 850,854 alleles (4.6%); highest among the groups gnomAD compares: East Asian, 11%; 1,125 homozygotes.

Submission:

GeneDx
Classification: Benign. Last evaluated: 2018-06-18. Review status: criteria provided, single submitter. Criteria: GeneDx Variant Classification (06012015). Collection method: clinical testing. Allele origin: germline. Affected: yes.
Comment: This variant is considered likely benign or benign based on one or more of the following criteria: it is a conservative change, it occurs at a poorly conserved position in the protein, it is predicted to be benign by multiple in silico algorithms, and/or has population frequency not consistent with disease.

NM_001035.3(RYR2):c.3423+142C>T

Gene: RYR2 (ryanodine receptor 2; plus strand). Cytogenetic location: 1q43.
Variant type: single nucleotide variant.
Coding change: c.3423+142C>T on transcript NM_001035.3 (MANE Select); 142 bases into the intron after coding-DNA position 3423, C replaced by T.
Molecular consequence: intron variant.
Genome position (GRCh38, 1-based): chr1:237,566,917, C>T. VCF-style: chr1-237566917-C-T. GRCh37 (hg19) VCF-style: chr1-237730217-C-T.
Identifiers: ClinVar variation 673322 (VCV000673322.1), dbSNP rs1824860, ClinGen allele CA39822996.